The following is an entry in ClinVar:

ClinVar aggregate classification (germline): Pathogenic/Likely pathogenic. Review status: criteria provided, multiple submitters, no conflicts (2 of 4 stars). 3 submissions from 3 submitters: Pathogenic (1); Likely pathogenic (1). 1 of the submissions does not count toward it. Last evaluated 2023-09-08.

Conditions:
Autosomal recessive nonsyndromic hearing loss 1A (DFNB1A). Also called: GJB2-Related Autosomal Recessive Nonsyndromic Hearing Loss; Connexin 26 deafness; Deafness nonsyndromic, Connexin 26 linked; Nonsyndromic Hearing Loss and Deafness, DFNB1; GJB6-Related DFNB 1 Nonsyndromic Hearing Loss and Deafness; Deafness, autosomal recessive 1A. Identifiers: Orphanet 90636, MedGen C2673759, MONDO:0009076, OMIM 220290.
GJB2-related disorder. Also called: GJB2-related condition; GJB2-related disorders. Identifiers: MedGen CN382183, MONDO:1060236.

Submissions (3):

Labcorp Genetics (formerly Invitae), Labcorp
Classification: Pathogenic. Last evaluated: 2023-09-08. Review status: criteria provided, single submitter. Criteria: Invitae Variant Classification Sherloc (09022015). Collection method: clinical testing. Allele origin: germline.
Comment: For these reasons, this variant has been classified as Pathogenic. This variant disrupts a region of the GJB2 protein in which other variant(s) (p.Cys211Leufs*5) have been determined to be pathogenic (PMID: 9529365, 12910486, 20863150). This suggests that this is a clinically significant region of the protein, and that variants that disrupt it are likely to be disease-causing. This sequence change creates a premature translational stop signal (p.Tyr65*) in the GJB2 gene. While this is not anticipated to result in nonsense mediated decay, it is expected to disrupt the last 162 amino acid(s) of the GJB2 protein. This variant is not present in population databases (gnomAD no frequency). This premature translational stop signal has been observed in individual(s) with deafness (PMID: 9482292, 16380907). ClinVar contains an entry for this variant (Variation ID: 631698).

Illumina Laboratory Services, Illumina
Classification: Likely pathogenic for GJB2-Related Disorders. Last evaluated: 2018-08-16. Review status: criteria provided, single submitter. Criteria: ICSL Variant Classification Criteria 09 May 2019. Collection method: clinical testing. Allele origin: germline.
Comment: The GJB2 c.195C>G (p.Tyr65Ter) variant is a stop-gained variant predicted to result in premature termination of the mature protein. The p.Tyr65Ter variant has been reported in at least three studies in which it is found in at least four individuals affected with congenital hearing loss including in two in a compound heterozygous state, in one in a heterozygous state and in a third allele of unknown zygosity (Estivill et al. 1998; Gasmelseed et al. 2004; Snoeckx et al. 2005). The first individual, in whom a diagnosis of Ushers syndrome was excluded and is described as a sporadic case affected with non-syndromic deafness according to accepted clinical criteria, carried the p.Tyr65Ter variant in a compound heterozygous state with a known pathogenic variant (c.35delG) (Estivill et al 1998). In the second study, the p.Tyr65Ter variant was found in two alleles, one of which was in a compound heterozygous state with a missense variant in an individual with congenital hearing impairment. No further details are given for the second allele (Snoeckx et al. 2005). The p.Tyr65Ter variant was also found in a heterozygous state in a third individual with postnatal onset moderate to profound hearing loss (Gasmelseed et al. 2004). In this case, however, the p.Tyr65Ter variant resulted from an alternative nucleotide change ie. c.195C>A. Control data are unavailable for the p.Tyr65Ter variant, which is not found in either the 1000 Genomes Project, the Exome Sequencing Project, Exome Aggregation Consortium or Genome Aggregation Database in a region of good sequence coverage, so is presumed rare. Based on the evidence and the potential impact of stop-gained variants, the p.Tyr65Ter variant is classified as likely pathogenic for GJB2-related disorders. This variant was observed by ICSL as part of a predisposition screen in an ostensibly healthy population.

Natera, Inc.
Classification: Pathogenic for Autosomal recessive deafness type 1A. Last evaluated: 2021-02-16. Review status: no assertion criteria provided. Collection method: clinical testing. Allele origin: germline. Not counted in ClinVar's aggregate classification.

Literature cited by the submitters: PubMed 9529365 (cited by Labcorp Genetics (formerly Invitae), Labcorp); PubMed 12910486 (cited by Labcorp Genetics (formerly Invitae), Labcorp); PubMed 20863150 (cited by Labcorp Genetics (formerly Invitae), Labcorp); PubMed 9482292 (cited by Labcorp Genetics (formerly Invitae), Labcorp and Illumina Laboratory Services, Illumina); PubMed 16380907 (cited by Labcorp Genetics (formerly Invitae), Labcorp and Illumina Laboratory Services, Illumina); PubMed 14722929 (cited by Illumina Laboratory Services, Illumina).

NM_004004.6(GJB2):c.195C>G (p.Tyr65Ter)

Gene: GJB2 (gap junction protein beta 2; minus strand). Cytogenetic location: 13q12.11.
Variant type: single nucleotide variant.
Coding change: c.195C>G on transcript NM_004004.6 (MANE Select); coding-DNA position 195, C replaced by G.
Protein change: p.Tyr65Ter; replaces tyrosine 65 with a stop codon.
Molecular consequence: nonsense.
Genome position (GRCh38, 1-based): chr13:20,189,387, G>C on the plus strand (C>G on the coding strand, the complement: GJB2 is on the minus strand). VCF-style: chr13-20189387-G-C. GRCh37 (hg19) VCF-style: chr13-20763526-G-C.
Other names: short protein forms Y65*.
Identifiers: ClinVar variation 631698 (VCV000631698.14), dbSNP rs763572195, ClinGen allele CA387461648.